The following is an entry in ClinVar:

NM_001288705.3(CSF1R):c.2746G>C (p.Glu916Gln)

Gene: CSF1R (colony stimulating factor 1 receptor; minus strand). Cytogenetic location: 5q32.
Variant type: single nucleotide variant.
Coding change: c.2746G>C on transcript NM_001288705.3 (MANE Select); coding-DNA position 2746, G replaced by C.
Protein change: p.Glu916Gln; replaces glutamic acid 916 with glutamine.
Molecular consequence: missense variant. On other transcripts: non-coding transcript variant (2).
Genome position (GRCh38, 1-based): chr5:150,054,339, C>G on the plus strand (G>C on the coding strand, the complement: CSF1R is on the minus strand). VCF-style: chr5-150054339-C-G. GRCh37 (hg19) VCF-style: chr5-149433902-C-G.
Other names: c.2746G>C, p.Glu916Gln (NM_001349736.2, NM_001375320.1, NM_005211.4); c.2302G>C, p.Glu768Gln (NM_001375321.1); short protein forms E768Q, E916Q.
Identifiers: ClinVar variation 4700646 (VCV004700646.1).
Genomic context (GRCh38, chr5:150,054,339, plus strand): 5'-ACGTGCTTTACCGGCCACCCACCCCAAGCCTCACCCCACTCACCCGCTCTCTCCTGTCCT[C>G]TTGGGCCTGCTCCTGAAGGAAGGAGCAGATCTGCTGGAAGGTGGGTCTGTGGGTGGGCTC-3'
Protein context (NP_001275634.1, residues 906-926): ICSFLQEQAQ[Glu916Gln]DRRERDYTNL

ClinVar aggregate classification (germline): Uncertain significance (1 of 4 stars; one submission).

gnomAD v4.1: 4 of 1,614,058 alleles (0.00025%); highest among the groups gnomAD compares: Non-Finnish European, 0.00034%; no homozygotes.

Submission:

Labcorp Genetics (formerly Invitae), Labcorp
Classification: Uncertain significance. Last evaluated: 2025-11-30. Review status: criteria provided, single submitter. Criteria: Invitae Variant Classification Sherloc (09022015). Collection method: clinical testing. Allele origin: germline.
Comment: This sequence change replaces glutamic acid, which is acidic and polar, with glutamine, which is neutral and polar, at codon 916 of the CSF1R protein (p.Glu916Gln). This variant is present in population databases (rs142435467, gnomAD 0.002%). This variant has not been reported in the literature in individuals affected with CSF1R-related conditions. Invitae Evidence Modeling of protein sequence and biophysical properties (such as structural, functional, and spatial information, amino acid conservation, physicochemical variation, residue mobility, and thermodynamic stability) indicates that this missense variant is not expected to disrupt CSF1R protein function with a negative predictive value of 95%. In summary, the available evidence is currently insufficient to determine the role of this variant in disease. Therefore, it has been classified as a Variant of Uncertain Significance.